The following is an entry in ClinVar:

NM_005787.6(ALG3):c.347G>C (p.Ser116Thr)

Gene: ALG3 (ALG3 alpha-1,3- mannosyltransferase; minus strand). Cytogenetic location: 3q27.1.
Variant type: single nucleotide variant.
Coding change: c.347G>C on transcript NM_005787.6 (MANE Select); coding-DNA position 347, G replaced by C.
Protein change: p.Ser116Thr; replaces serine 116 with threonine.
Molecular consequence: missense variant. On other transcripts: non-coding transcript variant (2).
Genome position (GRCh38, 1-based): chr3:184,245,565, C>G on the plus strand (G>C on the coding strand, the complement: ALG3 is on the minus strand). VCF-style: chr3-184245565-C-G. GRCh37 (hg19) VCF-style: chr3-183963353-C-G.
Other names: c.203G>C, p.Ser68Thr (NM_001006941.2); c.242G>C, p.Ser81Thr (NM_001006942.1); c.347G>C (NM_005787.5); short protein forms S116T, S81T, S68T.
Identifiers: ClinVar variation 1902921 (VCV001902921.6), dbSNP rs562487441, ClinGen allele CA2729560.

ClinVar aggregate classification (germline): Uncertain significance. Review status: criteria provided, multiple submitters, no conflicts (2 of 4 stars). 2 submissions from 2 submitters: Uncertain significance (2). Last evaluated 2025-05-14.

Conditions:
Inborn genetic diseases. Identifiers: MedGen C0950123, MeSH D030342.
ALG3-congenital disorder of glycosylation. Also called: CONGENITAL DISORDER OF GLYCOSYLATION, TYPE Id; CDG Id; ALG3-CDG; CARBOHYDRATE-DEFICIENT GLYCOPROTEIN SYNDROME, TYPE IV; CDGS, TYPE IV. Identifiers: Orphanet 79321, MedGen C1832736, MONDO:0010998, OMIM 601110.

gnomAD v4.1: 10 of 1,613,718 alleles (0.00062%); highest among the groups gnomAD compares: African/African-American, 0.004%; no homozygotes.

Submissions (2):

Ambry Genetics
Classification: Uncertain significance for Inborn genetic diseases. Last evaluated: 2025-05-14. Review status: criteria provided, single submitter. Criteria: Ambry Variant Classification Scheme 2023. Collection method: clinical testing. Allele origin: germline.

Labcorp Genetics (formerly Invitae), Labcorp
Classification: Uncertain significance for ALG3-congenital disorder of glycosylation. Last evaluated: 2022-05-16. Review status: criteria provided, single submitter. Criteria: Invitae Variant Classification Sherloc (09022015). Collection method: clinical testing. Allele origin: germline.
Comment: This sequence change replaces serine, which is neutral and polar, with threonine, which is neutral and polar, at codon 116 of the ALG3 protein (p.Ser116Thr). This variant is present in population databases (rs562487441, gnomAD 0.01%). This variant has not been reported in the literature in individuals affected with ALG3-related conditions. Algorithms developed to predict the effect of missense changes on protein structure and function (SIFT, PolyPhen-2, Align-GVGD) all suggest that this variant is likely to be tolerated. In summary, the available evidence is currently insufficient to determine the role of this variant in disease. Therefore, it has been classified as a Variant of Uncertain Significance.